The following is an entry in ClinVar:

NM_172250.3(MMAA):c.610A>G (p.Met204Val)

Gene: MMAA (metabolism of cobalamin associated A; plus strand). Cytogenetic location: 4q31.21.
Variant type: single nucleotide variant.
Coding change: c.610A>G on transcript NM_172250.3 (MANE Select); coding-DNA position 610, A replaced by G.
Protein change: p.Met204Val; replaces methionine 204 with valine.
Molecular consequence: missense variant.
Genome position (GRCh38, 1-based): chr4:145,646,033, A>G. VCF-style: chr4-145646033-A-G. GRCh37 (hg19) VCF-style: chr4-146567185-A-G.
Other names: c.610A>G, p.Met204Val (NM_001375644.1); short protein forms M204V.
Identifiers: ClinVar variation 1384477 (VCV001384477.3), dbSNP rs370375675, ClinGen allele CA3095219.
Genomic context (GRCh38, chr4:145,646,033, plus strand): 5'-CTGTATGTTTTAGGATCACTCTTAGGTGATAAAACCCGAATGACTGAGTTATCAAGAGAT[A>G]TGAATGCATACATCAGGCCATCTCCTACTAGAGGAACTTTAGGAGGCGTGACAAGGACCA-3'
Protein context (NP_758454.1, residues 194-214): KTRMTELSRD[Met204Val]NAYIRPSPTR

ClinVar aggregate classification (germline): Uncertain significance (1 of 4 stars; one submission).

Conditions:
Methylmalonic aciduria, cblA type (MACA). Also called: Methylmalonic aciduria, vitamin b12-responsive, due to defect in synthesis of adenosylcobalamin, cbla complementation type; MMA cbl A type; Methylmalonic acidemia cblA type; Methylmalonic aciduria, vitamin B12-responsive; Vitamin B12-responsive methylmalonic acidemia type cblA. Identifiers: Orphanet 28, Orphanet 79310, MedGen C1855109, MONDO:0009613, OMIM 251100.

Allele frequency attached by ClinVar (database versions not stated): gnomAD exomes below 0.00001 and 0.00001; ExAC 0.00002; TOPMed 0.00002; gnomAD 0.00003 and 0.00004; ESP Exome Variant Server 0.00008.
gnomAD v4.1: 12 of 1,614,030 alleles (0.00074%); highest among the groups gnomAD compares: East Asian, 0.0089%; no homozygotes.

Submission:

Labcorp Genetics (formerly Invitae), Labcorp
Classification: Uncertain significance for Methylmalonic aciduria, cblA type. Last evaluated: 2022-03-02. Review status: criteria provided, single submitter. Criteria: Invitae Variant Classification Sherloc (09022015). Collection method: clinical testing. Allele origin: germline.
Comment: This sequence change replaces methionine, which is neutral and non-polar, with valine, which is neutral and non-polar, at codon 204 of the MMAA protein (p.Met204Val). This variant is present in population databases (rs370375675, gnomAD 0.02%). This variant has not been reported in the literature in individuals affected with MMAA-related conditions. Algorithms developed to predict the effect of missense changes on protein structure and function (SIFT, PolyPhen-2, Align-GVGD) all suggest that this variant is likely to be tolerated. In summary, the available evidence is currently insufficient to determine the role of this variant in disease. Therefore, it has been classified as a Variant of Uncertain Significance.